The following is an entry in ClinVar:

NM_004218.4(RAB11B):c.237-2A>T

Gene: RAB11B (RAB11B, member RAS oncogene family; plus strand). Cytogenetic location: 19p13.2.
Variant type: single nucleotide variant.
Coding change: c.237-2A>T on transcript NM_004218.4 (MANE Select); the canonical splice acceptor site of the intron before coding-DNA position 237, A replaced by T.
Molecular consequence: splice acceptor variant.
Genome position (GRCh38, 1-based): chr19:8,402,084, A>T. VCF-style: chr19-8402084-A-T. GRCh37 (hg19) VCF-style: chr19-8466968-A-T.
Identifiers: ClinVar variation 2571028 (VCV002571028.27), dbSNP rs2512747376, ClinGen allele CA403711775.

ClinVar aggregate classification (germline): Uncertain significance (1 of 4 stars; one submission).

Submission:

CeGaT Center for Human Genetics Tuebingen
Classification: Uncertain significance. Last evaluated: 2023-05-01. Review status: criteria provided, single submitter. Criteria: CeGaT Center For Human Genetics Tuebingen Variant Classification Criteria Version 2. Collection method: clinical testing. Allele origin: germline. Affected: yes. Observed: 1 variant allele.
Comment: RAB11B: PM2